The following is an entry in ClinVar:

ClinVar aggregate classification (germline): Conflicting classifications of pathogenicity. Review status: criteria provided, conflicting classifications (1 of 4 stars). 9 submissions from 9 submitters: Uncertain significance (6); Likely benign (2). 1 of the submissions does not count toward it. Last evaluated 2026-01-05.

Conditions:
Hereditary cancer-predisposing syndrome. Also called: Neoplastic Syndromes, Hereditary; Hereditary Cancer Syndrome; Hereditary neoplastic syndrome; Tumor predisposition. Identifiers: Orphanet 140162, MedGen C0027672, MeSH D009386, MONDO:0015356.
Familial cancer of breast. Also called: Hereditary breast cancer; hereditary breast carcinoma; BREAST CANCER, FAMILIAL. Identifiers: Orphanet 227535, MedGen C0346153, MONDO:0016419, OMIM 114480. Disease mechanism: loss of function.
Ataxia-telangiectasia syndrome (AT). Also called: Cerebello-oculocutaneous telangiectasia; Immunodeficiency with ataxia telangiectasia; Ataxia-telangiectasia, complementation group D; AT, COMPLEMENTATION GROUP C; ATAXIA-TELANGIECTASIA, FRESNO VARIANT; ATAXIA-TELANGIECTASIA, COMPLEMENTATION GROUP A. Identifiers: Orphanet 100, MedGen C0004135, MONDO:0008840, OMIM 208900.

Allele frequency attached by ClinVar (database versions not stated): gnomAD exomes 0.00001; gnomAD 0.00002 and 0.00003; TOPMed 0.00003.
gnomAD v4.1: 21 of 1,614,062 alleles (0.0013%); highest among the groups gnomAD compares: East Asian, 0.0022%; no homozygotes.

Submissions (9):

Labcorp Genetics (formerly Invitae), Labcorp
Classification: Likely benign for Ataxia-telangiectasia syndrome. Last evaluated: 2026-01-05. Review status: criteria provided, single submitter. Criteria: Invitae Variant Classification Sherloc (09022015). Collection method: clinical testing. Allele origin: germline.

Center for Genomic Medicine, Rigshospitalet, Copenhagen University Hospital
Classification: Uncertain significance. Last evaluated: 2025-03-04. Review status: criteria provided, single submitter. Criteria: ACMG Guidelines, 2015. Collection method: clinical testing. Allele origin: germline.

Color Diagnostics, LLC DBA Color Health
Classification: Uncertain significance for Hereditary cancer-predisposing syndrome. Last evaluated: 2024-05-08. Review status: criteria provided, single submitter. Criteria: ACMG Guidelines, 2015. Collection method: clinical testing. Allele origin: germline.
Comment: This missense variant replaces threonine with methionine at codon 460 of the ATM protein. Computational prediction suggests that this variant may not impact protein structure and function. To our knowledge, functional studies have not been performed for this variant. This variant has not been reported in individuals affected with hereditary cancer in the literature. In a large international case-control meta-analysis, this variant was absent in 60466 breast cancer cases and reported in 1/53461 unaffected controls (PMID: 33471991). This variant has not been identified in the general population by the Genome Aggregation Database (gnomAD). The available evidence is insufficient to determine the role of this variant in disease conclusively. Therefore, this variant is classified as a Variant of Uncertain Significance.

Ambry Genetics
Classification: Likely benign for Hereditary cancer-predisposing syndrome. Last evaluated: 2020-10-29. Review status: criteria provided, single submitter. Criteria: Ambry Variant Classification Scheme 2023. Collection method: clinical testing. Allele origin: germline.

Department of Pathology and Laboratory Medicine, Sinai Health System
Classification: Uncertain significance for Familial cancer of breast. Last evaluated: 2019-11-06. Review status: criteria provided, single submitter. Criteria: ACMG Guidelines, 2015. Collection method: clinical testing. Allele origin: germline. Affected: yes.

Centre for Mendelian Genomics, University Medical Centre Ljubljana
Classification: Uncertain significance for Familial cancer of breast. Last evaluated: 2019-10-08. Review status: criteria provided, single submitter. Criteria: ACMG Guidelines, 2015. Collection method: clinical testing. Allele origin: unknown. Affected: yes.
Comment: This variant was classified as: Uncertain significance. The available evidence on this variant's pathogenicity is insufficient or conflicting. The following ACMG criteria were applied in classifying this variant: PM2,BP4.

PreventionGenetics, part of Exact Sciences
Classification: Uncertain significance. Last evaluated: 2017-07-31. Review status: criteria provided, single submitter. Criteria: ACMG Guidelines, 2015. Collection method: clinical testing. Allele origin: germline.

GeneDx
Classification: Uncertain significance. Last evaluated: 2017-07-17. Review status: criteria provided, single submitter. Criteria: GeneDx Variant Classification (06012015). Collection method: clinical testing. Allele origin: germline. Affected: yes.
Comment: This variant is denoted ATM c.1379C>T at the cDNA level, p.Thr460Met (T460M) at the protein level, and results in the change of a Threonine to a Methionine (ACG>ATG). This variant has not, to our knowledge, been published in the literature as pathogenic or benign. ATM Thr460Met was not observed in large population cohorts (NHLBI Exome Sequencing Project, The 1000 Genomes Consortium 2015, Lek 2016). Since Threonine and Methionine differ in polarity, charge, size or other properties, this is considered a non-conservative amino acid substitution. ATM Thr460Met occurs at a position that is not conserved and is not located in a known functional domain. In silico analyses predict that this variant is unlikely to alter protein structure or function. Based on currently available evidence, it is unclear whether ATM Thr460Met is a pathogenic or benign variant. We consider it to be a variant of uncertain significance.

Natera, Inc.
Classification: Uncertain significance for Ataxia-telangiectasia. Last evaluated: 2020-08-31. Review status: no assertion criteria provided. Collection method: clinical testing. Allele origin: germline. Not counted in ClinVar's aggregate classification.

Literature cited by the submitters: PubMed 33471991 (cited by Color Diagnostics, LLC DBA Color Health).

NM_000051.4(ATM):c.1379C>T (p.Thr460Met)

Gene: ATM (ATM serine/threonine kinase; plus strand). Cytogenetic location: 11q22.3.
Variant type: single nucleotide variant.
Coding change: c.1379C>T on transcript NM_000051.4 (MANE Select); coding-DNA position 1379, C replaced by T.
Protein change: p.Thr460Met; replaces threonine 460 with methionine.
Molecular consequence: missense variant.
Genome position (GRCh38, 1-based): chr11:108,250,844, C>T. VCF-style: chr11-108250844-C-T. GRCh37 (hg19) VCF-style: chr11-108121571-C-T.
Other names: c.1379C>T, p.Thr460Met (NM_001351834.2); short protein forms T460M.
Identifiers: ClinVar variation 141561 (VCV000141561.34), dbSNP rs587781841, ClinGen allele CA165785.